The following is an entry in ClinVar:

ClinVar aggregate classification (germline): Likely benign (1 of 4 stars; one submission).

Submission:

GeneDx
Classification: Likely benign. Last evaluated: 2018-05-14. Review status: criteria provided, single submitter. Criteria: GeneDx Variant Classification (06012015). Collection method: clinical testing. Allele origin: germline. Affected: yes.
Comment: This variant is considered likely benign or benign based on one or more of the following criteria: it is a conservative change, it occurs at a poorly conserved position in the protein, it is predicted to be benign by multiple in silico algorithms, and/or has population frequency not consistent with disease.

NM_001127644.2(GABRA1):c.-16+15G>A

Gene: GABRA1 (gamma-aminobutyric acid type A receptor subunit alpha1; plus strand). Cytogenetic location: 5q34.
Variant type: single nucleotide variant.
Coding change: c.-16+15G>A on transcript NM_001127644.2 (MANE Select); 15 bases into the intron after 16 bases upstream of the start codon, G replaced by A.
Molecular consequence: intron variant.
Genome position (GRCh38, 1-based): chr5:161,848,437, G>A. VCF-style: chr5-161848437-G-A. GRCh37 (hg19) VCF-style: chr5-161275443-G-A.
Other names: c.-16+15G>A (NM_000806.5, NM_001127643.2).
Identifiers: ClinVar variation 668300 (VCV000668300.1), dbSNP rs1581172079, ClinGen allele CA915942706.